The following is an entry in ClinVar:

ClinVar aggregate classification (germline): Uncertain significance (1 of 4 stars; one submission).

Submission:

Labcorp Genetics (formerly Invitae), Labcorp
Classification: Uncertain significance. Last evaluated: 2022-06-27. Review status: criteria provided, single submitter. Criteria: Invitae Variant Classification Sherloc (09022015). Collection method: clinical testing. Allele origin: germline.
Comment: A gross deletion of the genomic region encompassing the full coding sequence of the AHR gene has been identified. The current clinical and genetic evidence is not sufficient to establish whether loss-of-function variants in AHR cause disease. The boundaries of this event are unknown as they extend beyond the assayed region for this gene and therefore may encompass additional genes. This variant has not been reported in the literature in individuals affected with AHR-related conditions. In summary, the available evidence is currently insufficient to determine the role of this variant in disease. Therefore, it has been classified as a Variant of Uncertain Significance.

NC_000007.13:g.(?_16131320)_(17382688_?)del

Genes: AGR2 (anterior gradient 2, protein disulphide isomerase family member; minus strand), AGR3 (anterior gradient 3, protein disulphide isomerase family member; minus strand), AHR (aryl hydrocarbon receptor; plus strand), ANKMY2 (ankyrin repeat and MYND domain containing 2; minus strand), BZW2 (basic leucine zipper and W2 domains 2; plus strand) and 4 more. Cytogenetic location: 7p21.2-21.1.
Variant type: Deletion.
Identifiers: ClinVar variation 2424210 (VCV002424210.3).